The following is an entry in ClinVar:

ClinVar aggregate classification (germline): Uncertain significance (1 of 4 stars; one submission).

gnomAD v4.1: 1 of 1,614,066 alleles (0.000062%); highest among the groups gnomAD compares: Non-Finnish European, 0.000085%; no homozygotes.

Submission:

Labcorp Genetics (formerly Invitae), Labcorp
Classification: Uncertain significance. Last evaluated: 2025-06-30. Review status: criteria provided, single submitter. Criteria: Invitae Variant Classification Sherloc (09022015). Collection method: clinical testing. Allele origin: germline.
Comment: This sequence change replaces valine, which is neutral and non-polar, with alanine, which is neutral and non-polar, at codon 447 of the CTNNA1 protein (p.Val447Ala). This variant is present in population databases (no rsID available, gnomAD 0.0009%). This variant has not been reported in the literature in individuals affected with CTNNA1-related conditions. Invitae Evidence Modeling of protein sequence and biophysical properties (such as structural, functional, and spatial information, amino acid conservation, physicochemical variation, residue mobility, and thermodynamic stability) indicates that this missense variant is not expected to disrupt CTNNA1 protein function with a negative predictive value of 80%. In summary, the available evidence is currently insufficient to determine the role of this variant in disease. Therefore, it has been classified as a Variant of Uncertain Significance.

NM_001903.5(CTNNA1):c.1340T>C (p.Val447Ala)

Gene: CTNNA1 (catenin alpha 1; plus strand). Cytogenetic location: 5q31.2.
Variant type: single nucleotide variant.
Coding change: c.1340T>C on transcript NM_001903.5 (MANE Select); coding-DNA position 1340, T replaced by C.
Protein change: p.Val447Ala; replaces valine 447 with alanine.
Molecular consequence: missense variant. On other transcripts: 5 prime UTR variant (6), intron variant (3).
Genome position (GRCh38, 1-based): chr5:138,904,392, T>C. VCF-style: chr5-138904392-T-C. GRCh37 (hg19) VCF-style: chr5-138240081-T-C.
Other names: c.1340T>C, p.Val447Ala (NM_001290307.3, NM_001323982.2, NM_001323983.1 and 2 more transcripts); c.1031T>C, p.Val344Ala (NM_001290309.3); c.971T>C, p.Val324Ala (NM_001290310.3); c.230T>C, p.Val77Ala (NM_001290312.1, NM_001323987.1, NM_001323988.1 and 17 more transcripts); c.-168T>C (NM_001324006.1, NM_001324007.1, NM_001324008.1 and 1 more transcripts); c.-14T>C (NM_001324012.1, NM_001324013.1); c.1297-13350T>C (NM_001323986.2); c.187-13350T>C (NM_001324011.1); and 1 more; short protein forms V344A, V447A, V77A, V324A.
Identifiers: ClinVar variation 4745148 (VCV004745148.1).